The following is an entry in ClinVar:

ClinVar aggregate classification (germline): Uncertain significance. Review status: criteria provided, multiple submitters, no conflicts (2 of 4 stars). 4 submissions from 4 submitters: Uncertain significance (4). Last evaluated 2024-03-19.

Conditions:
Meckel-Gruber syndrome. Also called: GRUBER SYNDROME; DYSENCEPHALIA SPLANCHNOCYSTICA; Dysencephalia splachnocystica. Identifiers: Orphanet 564, MedGen C0265215, MONDO:0018921.
Joubert syndrome. Also called: JOUBERT-BOLTSHAUSER SYNDROME; Familial aplasia of the vermis. Identifiers: Orphanet 475, MedGen C5979921, MONDO:0018772.
Nephronophthisis. Also called: Juvenile Nephronophthisis. Identifiers: Orphanet 655, MedGen C0687120, MONDO:0019005, HP:0000090.
Inborn genetic diseases. Identifiers: MedGen C0950123, MeSH D030342.
Senior-Loken syndrome 6 (SLSN6). Identifiers: Orphanet 3156, MedGen C1857779, MONDO:0012433, OMIM 610189.
Joubert syndrome 5 (JBTS5). Identifiers: Orphanet 2318, MedGen C1857780, MONDO:0012432, OMIM 610188.
Leber congenital amaurosis 10 (LCA10). Identifiers: Orphanet 65, MedGen C1857821, MONDO:0012723, OMIM 611755.
Meckel syndrome, type 4 (MKS4). Also called: MECKEL-GRUBER SYNDROME, TYPE 4. Identifiers: Orphanet 564, MedGen C1970161, MONDO:0012626, OMIM 611134.
Bardet-Biedl syndrome 14 (BBS14). Identifiers: Orphanet 110, MedGen C2673874, MONDO:0014442, OMIM 615991.

Allele frequency attached by ClinVar (database versions not stated): ExAC 0.00003.
gnomAD v4.1: 43 of 1,612,148 alleles (0.0027%); highest among the groups gnomAD compares: Middle Eastern, 0.016%; no homozygotes.

Submissions (4):

Fulgent Genetics
Classification: Uncertain significance for Joubert syndrome 5; Senior-Loken syndrome 6; Meckel syndrome, type 4; Leber congenital amaurosis 10; Bardet-Biedl syndrome 14. Last evaluated: 2024-03-19. Review status: criteria provided, single submitter. Criteria: ACMG Guidelines, 2015. Collection method: clinical testing. Allele origin: germline.

Blueprint Genetics
Classification: Uncertain significance. Last evaluated: 2022-11-14. Review status: criteria provided, single submitter. Criteria: ACMG Guidelines, 2015. Collection method: clinical testing. Allele origin: germline.

Ambry Genetics
Classification: Uncertain significance for Inborn genetic diseases. Last evaluated: 2022-05-27. Review status: criteria provided, single submitter. Criteria: Ambry Variant Classification Scheme 2023. Collection method: clinical testing. Allele origin: germline.

Labcorp Genetics (formerly Invitae), Labcorp
Classification: Uncertain significance for Joubert syndrome; Meckel-Gruber syndrome; Nephronophthisis. Last evaluated: 2021-10-02. Review status: criteria provided, single submitter. Criteria: Invitae Variant Classification Sherloc (09022015). Collection method: clinical testing. Allele origin: germline.
Comment: This sequence change replaces arginine with tryptophan at codon 1072 of the CEP290 protein (p.Arg1072Trp). The arginine residue is highly conserved and there is a moderate physicochemical difference between arginine and tryptophan. This variant is present in population databases (rs780870106, ExAC 0.01%). This variant has not been reported in the literature in individuals affected with CEP290-related conditions. Algorithms developed to predict the effect of missense changes on protein structure and function are either unavailable or do not agree on the potential impact of this missense change (SIFT: "Deleterious"; PolyPhen-2: "Probably Damaging"; Align-GVGD: "Class C0"). In summary, the available evidence is currently insufficient to determine the role of this variant in disease. Therefore, it has been classified as a Variant of Uncertain Significance.

NM_025114.4(CEP290):c.3214C>T (p.Arg1072Trp)

Gene: CEP290 (centrosomal protein 290; minus strand). Cytogenetic location: 12q21.32.
Variant type: single nucleotide variant.
Coding change: c.3214C>T on transcript NM_025114.4 (MANE Select); coding-DNA position 3214, C replaced by T.
Protein change: p.Arg1072Trp; replaces arginine 1072 with tryptophan.
Molecular consequence: missense variant.
Genome position (GRCh38, 1-based): chr12:88,093,865, G>A on the plus strand (C>T on the coding strand, the complement: CEP290 is on the minus strand). VCF-style: chr12-88093865-G-A. GRCh37 (hg19) VCF-style: chr12-88487642-G-A.
Other names: short protein forms R1072W.
Identifiers: ClinVar variation 2007894 (VCV002007894.4), dbSNP rs780870106, ClinGen allele CA6712195.